The following is an entry in ClinVar:

NM_017739.4(POMGNT1):c.1523T>C (p.Met508Thr)

Genes: POMGNT1 (protein O-linked mannose N-acetylglucosaminyltransferase 1 (beta 1,2-); minus strand), TSPAN1 (tetraspanin 1; plus strand). Cytogenetic location: 1p34.1.
Variant type: single nucleotide variant.
Coding change: c.1523T>C on transcript NM_017739.4 (MANE Select); coding-DNA position 1523, T replaced by C.
Protein change: p.Met508Thr; replaces methionine 508 with threonine.
Molecular consequence: missense variant.
Genome position (GRCh38, 1-based): chr1:46,192,114, A>G on the plus strand (T>C on the coding strand, the complement: POMGNT1 is on the minus strand). VCF-style: chr1-46192114-A-G. GRCh37 (hg19) VCF-style: chr1-46657786-A-G.
Other names: c.1457T>C, p.Met486Thr (NM_001290129.3); c.1094T>C, p.Met365Thr (NM_001290130.2); c.1523T>C, p.Met508Thr (NM_001410783.1, NM_001243766.2); short protein forms M365T, M486T, M508T.
Identifiers: ClinVar variation 1491295 (VCV001491295.8), dbSNP rs1571653937, ClinGen allele CA340173106.

ClinVar aggregate classification (germline): Uncertain significance (1 of 4 stars; one submission).

Conditions:
Autosomal recessive limb-girdle muscular dystrophy type 2O. Also called: Limb-Girdle Muscular Dystrophy Type 3C; MUSCULAR DYSTROPHY-DYSTROGLYCANOPATHY (LIMB-GIRDLE), TYPE C, 3; MUSCULAR DYSTROPHY-DYSTROGLYCANOPATHY, LIMB-GIRDLE, POMGNT1-RELATED. Identifiers: Orphanet 206564, MedGen C3150417, MONDO:0013161, OMIM 613157.
Muscular dystrophy-dystroglycanopathy (congenital with impaired intellectual development), type B, 3. Also called: Muscular dystrophy-dystroglycanopathy (congenital with intellectual disability), type B3; MUSCULAR DYSTROPHY, CONGENITAL, POMGNT1-RELATED. Identifiers: MedGen C3150412, MONDO:0013155, OMIM 613151.

Submission:

Labcorp Genetics (formerly Invitae), Labcorp
Classification: Uncertain significance for Autosomal recessive limb-girdle muscular dystrophy type 2O; Muscular dystrophy-dystroglycanopathy (congenital with impaired intellectual development), type B, 3. Last evaluated: 2025-09-02. Review status: criteria provided, single submitter. Criteria: Invitae Variant Classification Sherloc (09022015). Collection method: clinical testing. Allele origin: germline.
Comment: This sequence change replaces methionine, which is neutral and non-polar, with threonine, which is neutral and polar, at codon 508 of the POMGNT1 protein (p.Met508Thr). This variant is not present in population databases (gnomAD no frequency). This variant has not been reported in the literature in individuals affected with POMGNT1-related conditions. ClinVar contains an entry for this variant (Variation ID: 1491295). Invitae Evidence Modeling of protein sequence and biophysical properties (such as structural, functional, and spatial information, amino acid conservation, physicochemical variation, residue mobility, and thermodynamic stability) indicates that this missense variant is not expected to disrupt POMGNT1 protein function with a negative predictive value of 95%. In summary, the available evidence is currently insufficient to determine the role of this variant in disease. Therefore, it has been classified as a Variant of Uncertain Significance.